The following is an entry in ClinVar:

NM_005269.3(GLI1):c.144C>T (p.Ser48=)

Gene: GLI1 (GLI family zinc finger 1; plus strand). Cytogenetic location: 12q13.3.
Variant type: single nucleotide variant.
Coding change: c.144C>T on transcript NM_005269.3 (MANE Select); coding-DNA position 144, C replaced by T.
Protein change: p.Ser48=; no amino-acid change (serine 48 retained).
Molecular consequence: synonymous variant. On other transcripts: intron variant (2).
Genome position (GRCh38, 1-based): chr12:57,464,042, C>T. VCF-style: chr12-57464042-C-T. GRCh37 (hg19) VCF-style: chr12-57857825-C-T.
Other names: c.100+251C>T (NM_001167609.2); c.-191-631C>T (NM_001160045.2).
Identifiers: ClinVar variation 3043937 (VCV003043937.3), dbSNP rs764276220, ClinGen allele CA6648365.

ClinVar aggregate classification (germline): Likely benign. Review status: criteria provided, single submitter (1 of 4 stars). 2 submissions from 2 submitters: Likely benign (1). 1 of the submissions does not count toward it. Last evaluated 2025-05-09.

Conditions:
GLI1-related disorder. Also called: GLI1-related condition.

Allele frequency attached by ClinVar (database versions not stated): TOPMed 0.00004; gnomAD 0.00006; ExAC 0.00011.

Submissions (2):

Women's Health and Genetics/Laboratory Corporation of America, LabCorp
Classification: Likely benign. Last evaluated: 2025-05-09. Review status: criteria provided, single submitter. Criteria: LabCorp Variant Classification Summary - May 2015. Collection method: clinical testing. Allele origin: germline.

PreventionGenetics, part of Exact Sciences
Classification: Likely benign for GLI1-related condition. Last evaluated: 2024-06-06. Review status: no assertion criteria provided. Collection method: clinical testing. Allele origin: germline. Not counted in ClinVar's aggregate classification.
Comment: This variant is classified as likely benign based on ACMG/AMP sequence variant interpretation guidelines (Richards et al. 2015 PMID: 25741868, with internal and published modifications).